The following is an entry in ClinVar:

NM_001105206.3(LAMA4):c.4232T>C (p.Leu1411Pro)

Gene: LAMA4 (laminin subunit alpha 4; minus strand). Cytogenetic location: 6q21.
Variant type: single nucleotide variant.
Coding change: c.4232T>C on transcript NM_001105206.3 (MANE Select); coding-DNA position 4232, T replaced by C.
Protein change: p.Leu1411Pro; replaces leucine 1411 with proline.
Molecular consequence: missense variant.
Genome position (GRCh38, 1-based): chr6:112,128,977, A>G on the plus strand (T>C on the coding strand, the complement: LAMA4 is on the minus strand). VCF-style: chr6-112128977-A-G. GRCh37 (hg19) VCF-style: chr6-112450179-A-G.
Other names: c.4211T>C, p.Leu1404Pro (NM_001105207.3, NM_002290.5); short protein forms L1404P, L1411P.
Identifiers: ClinVar variation 3666697 (VCV003666697.2).

ClinVar aggregate classification (germline): Uncertain significance (1 of 4 stars; one submission).

Conditions:
Dilated cardiomyopathy 1JJ (CMD1JJ). Identifiers: Orphanet 154, MedGen C3808935, MONDO:0014095, OMIM 615235.

Submission:

Labcorp Genetics (formerly Invitae), Labcorp
Classification: Uncertain significance for Dilated cardiomyopathy 1JJ. Last evaluated: 2024-12-19. Review status: criteria provided, single submitter. Criteria: Invitae Variant Classification Sherloc (09022015). Collection method: clinical testing. Allele origin: germline.
Comment: This sequence change replaces leucine, which is neutral and non-polar, with proline, which is neutral and non-polar, at codon 1404 of the LAMA4 protein (p.Leu1404Pro). This variant is not present in population databases (gnomAD no frequency). This variant has not been reported in the literature in individuals affected with LAMA4-related conditions. Invitae Evidence Modeling of protein sequence and biophysical properties (such as structural, functional, and spatial information, amino acid conservation, physicochemical variation, residue mobility, and thermodynamic stability) indicates that this missense variant is not expected to disrupt LAMA4 protein function with a negative predictive value of 80%. In summary, the available evidence is currently insufficient to determine the role of this variant in disease. Therefore, it has been classified as a Variant of Uncertain Significance.